The following is an entry in ClinVar:

NM_001197104.2(KMT2A):c.1592A>G (p.Tyr531Cys)

Gene: KMT2A (lysine methyltransferase 2A; plus strand). Cytogenetic location: 11q23.3.
Variant type: single nucleotide variant.
Coding change: c.1592A>G on transcript NM_001197104.2 (MANE Select); coding-DNA position 1592, A replaced by G.
Protein change: p.Tyr531Cys; replaces tyrosine 531 with cysteine.
Molecular consequence: missense variant.
Genome position (GRCh38, 1-based): chr11:118,472,751, A>G. VCF-style: chr11-118472751-A-G. GRCh37 (hg19) VCF-style: chr11-118343466-A-G.
Other names: c.1592A>G, p.Tyr531Cys (NM_005933.4); short protein forms Y531C.
Identifiers: ClinVar variation 1424608 (VCV001424608.8), dbSNP rs2134262937, ClinGen allele CA382810443.

ClinVar aggregate classification (germline): Uncertain significance (1 of 4 stars; one submission).

gnomAD v4.1: 3 of 1,613,766 alleles (0.00019%); highest among the groups gnomAD compares: Non-Finnish European, 0.00025%; no homozygotes.

Submission:

Labcorp Genetics (formerly Invitae), Labcorp
Classification: Uncertain significance. Last evaluated: 2021-05-18. Review status: criteria provided, single submitter. Criteria: Invitae Variant Classification Sherloc (09022015). Collection method: clinical testing. Allele origin: germline.
Comment: This variant is not present in population databases (ExAC no frequency). This variant has not been reported in the literature in individuals with KMT2A-related conditions. Advanced modeling of protein sequence and biophysical properties (such as structural, functional, and spatial information, amino acid conservation, physicochemical variation, residue mobility, and thermodynamic stability) performed at Invitae indicates that this missense variant is not expected to disrupt KMT2A protein function. In summary, the available evidence is currently insufficient to determine the role of this variant in disease. Therefore, it has been classified as a Variant of Uncertain Significance. This sequence change replaces tyrosine with cysteine at codon 531 of the KMT2A protein (p.Tyr531Cys). The tyrosine residue is weakly conserved and there is a large physicochemical difference between tyrosine and cysteine.